The following is an entry in ClinVar:

ClinVar aggregate classification (germline): Uncertain significance. Review status: criteria provided, multiple submitters, no conflicts (2 of 4 stars). 3 submissions from 3 submitters: Uncertain significance (2). 1 of the submissions does not count toward it. Last evaluated 2024-10-08.

Conditions:
Inborn genetic diseases. Identifiers: MedGen C0950123, MeSH D030342.
Retinal dystrophy. Also called: Inherited retinal dystrophy. Identifiers: Orphanet 71862, MedGen C0854723, MeSH D058499, MONDO:0019118, HP:0000556.

Allele frequency attached by ClinVar (database versions not stated): gnomAD exomes 0.00001 and 0.00002; ExAC 0.00002; TOPMed 0.00002; gnomAD 0.00004.

Submissions (3):

Ambry Genetics
Classification: Uncertain significance for Inborn genetic diseases. Last evaluated: 2024-10-08. Review status: criteria provided, single submitter. Criteria: Ambry Variant Classification Scheme 2023. Collection method: clinical testing. Allele origin: germline.

Labcorp Genetics (formerly Invitae), Labcorp
Classification: Uncertain significance. Last evaluated: 2022-08-16. Review status: criteria provided, single submitter. Criteria: Invitae Variant Classification Sherloc (09022015). Collection method: clinical testing. Allele origin: germline.
Comment: In summary, the available evidence is currently insufficient to determine the role of this variant in disease. Therefore, it has been classified as a Variant of Uncertain Significance. Algorithms developed to predict the effect of missense changes on protein structure and function are either unavailable or do not agree on the potential impact of this missense change (SIFT: "Tolerated"; PolyPhen-2: "Probably Damaging"; Align-GVGD: "Class C0"). ClinVar contains an entry for this variant (Variation ID: 1464505). This variant has not been reported in the literature in individuals affected with AGBL5-related conditions. This variant is present in population databases (rs778548414, gnomAD 0.004%). This sequence change replaces arginine, which is basic and polar, with glutamine, which is neutral and polar, at codon 699 of the AGBL5 protein (p.Arg699Gln).

Institute of Human Genetics, Univ. Regensburg, Univ. Regensburg
Classification: Uncertain significance for Retinal dystrophy. Last evaluated: 2020-01-01. Review status: no assertion criteria provided. Criteria: ACMG Guidelines, 2015. Collection method: clinical testing. Allele origin: germline. Affected: yes. Not counted in ClinVar's aggregate classification.

NM_021831.6(AGBL5):c.2096G>A (p.Arg699Gln)

Gene: AGBL5 (AGBL carboxypeptidase 5; plus strand). Cytogenetic location: 2p23.3.
Variant type: single nucleotide variant.
Coding change: c.2096G>A on transcript NM_021831.6 (MANE Select); coding-DNA position 2096, G replaced by A.
Protein change: p.Arg699Gln; replaces arginine 699 with glutamine.
Molecular consequence: missense variant. On other transcripts: non-coding transcript variant (2).
Genome position (GRCh38, 1-based): chr2:27,067,500, G>A. VCF-style: chr2-27067500-G-A. GRCh37 (hg19) VCF-style: chr2-27290368-G-A.
Other names: c.2096G>A (NM_021831.5); short protein forms R699Q.
Identifiers: ClinVar variation 1464505 (VCV001464505.8), dbSNP rs778548414, ClinGen allele CA1568094.